The following is an entry in ClinVar:

NM_030773.4(TUBB1):c.1169A>T (p.Lys390Ile)

Gene: TUBB1 (tubulin beta 1 class VI; plus strand). Cytogenetic location: 20q13.32.
Variant type: single nucleotide variant.
Coding change: c.1169A>T on transcript NM_030773.4 (MANE Select); coding-DNA position 1169, A replaced by T.
Protein change: p.Lys390Ile; replaces lysine 390 with isoleucine.
Molecular consequence: missense variant.
Genome position (GRCh38, 1-based): chr20:59,024,596, A>T. VCF-style: chr20-59024596-A-T. GRCh37 (hg19) VCF-style: chr20-57599651-A-T.
Other names: short protein forms K390I.
Identifiers: ClinVar variation 2031546 (VCV002031546.5), dbSNP rs2515918031, ClinGen allele CA409468478.

ClinVar aggregate classification (germline): Uncertain significance. Review status: criteria provided, multiple submitters, no conflicts (2 of 4 stars). 2 submissions from 2 submitters: Uncertain significance (2). Last evaluated 2024-02-13.

Conditions:
Inborn genetic diseases. Identifiers: MedGen C0950123, MeSH D030342.

Submissions (2):

Ambry Genetics
Classification: Uncertain significance for Inborn genetic diseases. Last evaluated: 2024-02-13. Review status: criteria provided, single submitter. Criteria: Ambry Variant Classification Scheme 2023. Collection method: clinical testing. Allele origin: germline.

Labcorp Genetics (formerly Invitae), Labcorp
Classification: Uncertain significance. Last evaluated: 2023-03-21. Review status: criteria provided, single submitter. Criteria: Invitae Variant Classification Sherloc (09022015). Collection method: clinical testing. Allele origin: germline.
Comment: Advanced modeling of protein sequence and biophysical properties (such as structural, functional, and spatial information, amino acid conservation, physicochemical variation, residue mobility, and thermodynamic stability) has been performed at Invitae for this missense variant, however the output from this modeling did not meet the statistical confidence thresholds required to predict the impact of this variant on TUBB1 protein function. In summary, the available evidence is currently insufficient to determine the role of this variant in disease. Therefore, it has been classified as a Variant of Uncertain Significance. ClinVar contains an entry for this variant (Variation ID: 2031546). This variant has not been reported in the literature in individuals affected with TUBB1-related conditions. This variant is not present in population databases (gnomAD no frequency). This sequence change replaces lysine, which is basic and polar, with isoleucine, which is neutral and non-polar, at codon 390 of the TUBB1 protein (p.Lys390Ile).